The following is an entry in ClinVar:

ClinVar aggregate classification (germline): Uncertain significance (1 of 4 stars; one submission).

gnomAD v4.1: 9 of 1,611,138 alleles (0.00056%); highest among the groups gnomAD compares: Admixed American, 0.0067%; no homozygotes.

Submission:

Labcorp Genetics (formerly Invitae), Labcorp
Classification: Uncertain significance. Last evaluated: 2022-06-13. Review status: criteria provided, single submitter. Criteria: Invitae Variant Classification Sherloc (09022015). Collection method: clinical testing. Allele origin: germline.
Comment: This sequence change replaces arginine, which is basic and polar, with serine, which is neutral and polar, at codon 20 of the EXOSC2 protein (p.Arg20Ser). This variant is present in population databases (rs140638723, gnomAD 0.01%). This variant has not been reported in the literature in individuals affected with EXOSC2-related conditions. Algorithms developed to predict the effect of missense changes on protein structure and function (SIFT, PolyPhen-2, Align-GVGD) all suggest that this variant is likely to be tolerated. In summary, the available evidence is currently insufficient to determine the role of this variant in disease. Therefore, it has been classified as a Variant of Uncertain Significance.

NM_014285.7(EXOSC2):c.58C>A (p.Arg20Ser)

Genes: EXOSC2 (exosome component 2; plus strand), LOC130002815 (ATAC-STARR-seq lymphoblastoid active region 29156; plus strand). Cytogenetic location: 9q34.12.
Variant type: single nucleotide variant.
Coding change: c.58C>A on transcript NM_014285.7 (MANE Select); coding-DNA position 58, C replaced by A.
Protein change: p.Arg20Ser; replaces arginine 20 with serine.
Molecular consequence: missense variant. On other transcripts: non-coding transcript variant (1).
Genome position (GRCh38, 1-based): chr9:130,693,849, C>A. VCF-style: chr9-130693849-C-A. GRCh37 (hg19) VCF-style: chr9-133569236-C-A.
Other names: c.58C>A, p.Arg20Ser (NM_001282708.1, NM_001282709.1); short protein forms R20S.
Identifiers: ClinVar variation 1348896 (VCV001348896.5), dbSNP rs140638723, ClinGen allele CA5284725.